The following is an entry in ClinVar:

NM_138773.4(SLC25A46):c.714G>A (p.Glu238=)

Gene: SLC25A46 (solute carrier family 25 member 46; plus strand). Cytogenetic location: 5q22.1.
Variant type: single nucleotide variant.
Coding change: c.714G>A on transcript NM_138773.4 (MANE Select); coding-DNA position 714, G replaced by A.
Protein change: p.Glu238=; no amino-acid change (glutamic acid 238 retained).
Molecular consequence: synonymous variant. On other transcripts: non-coding transcript variant (1), intron variant (1).
Genome position (GRCh38, 1-based): chr5:110,761,239, G>A. VCF-style: chr5-110761239-G-A. GRCh37 (hg19) VCF-style: chr5-110096939-G-A.
Other names: p.Glu238=; c.441G>A, p.Glu147= (NM_001303250.3); c.679-208G>A (NM_001303249.3).
Identifiers: ClinVar variation 668632 (VCV000668632.14), dbSNP rs7724788, ClinGen allele CA3364727.

ClinVar aggregate classification (germline): Benign. Review status: criteria provided, multiple submitters, no conflicts (2 of 4 stars). 3 submissions from 3 submitters: Benign (3). Last evaluated 2026-02-03.

Conditions:
Neuropathy, hereditary motor and sensory, type 6B (HMSN6B). Also called: Neuropathy, hereditary motor and sensory, type VIB; HMSN VIB; CHARCOT-MARIE-TOOTH DISEASE, TYPE 6B; NEUROPATHY, HEREDITARY MOTOR AND SENSORY, TYPE VIB, WITH OPTIC ATROPHY. Identifiers: MedGen C4225302, MONDO:0014671, OMIM 616505.

Allele frequency attached by ClinVar (database versions not stated): gnomAD exomes 0.08830 and 0.12040; ExAC 0.12899; gnomAD 0.18245 and 0.18468; TOPMed 0.18396; ESP Exome Variant Server 0.18613; 1000 Genomes Project 0.22664; 1000 Genomes Project 30x 0.23048.
gnomAD v4.1: 157,275 of 1,607,696 alleles (9.8%); highest among the groups gnomAD compares: African/African-American, 42%; 13,034 homozygotes.

Submissions (3):

Labcorp Genetics (formerly Invitae), Labcorp
Classification: Benign for Neuropathy, hereditary motor and sensory, type 6B. Last evaluated: 2026-02-03. Review status: criteria provided, single submitter. Criteria: Invitae Variant Classification Sherloc (09022015). Collection method: clinical testing. Allele origin: germline.

Mayo Clinic Laboratories, Mayo Clinic
Classification: Benign. Last evaluated: 2022-10-27. Review status: criteria provided, single submitter. Criteria: ACMG Guidelines, 2015. Collection method: clinical testing. Allele origin: germline. Observed: 488 variant alleles.

GeneDx
Classification: Benign. Last evaluated: 2018-06-14. Review status: criteria provided, single submitter. Criteria: GeneDx Variant Classification (06012015). Collection method: clinical testing. Allele origin: germline. Affected: yes.
Comment: This variant is considered likely benign or benign based on one or more of the following criteria: it is a conservative change, it occurs at a poorly conserved position in the protein, it is predicted to be benign by multiple in silico algorithms, and/or has population frequency not consistent with disease.